The following is an entry in ClinVar:

ClinVar aggregate classification (germline): Benign. Review status: criteria provided, multiple submitters, no conflicts (2 of 4 stars). 2 submissions from 2 submitters: Benign (2). Last evaluated 2026-01-27.

Conditions:
Cone-rod dystrophy 15 (CORD15). Identifiers: MedGen C3150912, MONDO:0013348, OMIM 613660.

Allele frequency attached by ClinVar (database versions not stated): ESP Exome Variant Server 0.00008; TOPMed 0.00025; 1000 Genomes Project 30x 0.00843; 1000 Genomes Project 0.00978.
gnomAD v4.1: 2,787 of 1,604,366 alleles (0.17%); highest among the groups gnomAD compares: South Asian, 2.7%; 58 homozygotes.

Submissions (2):

Labcorp Genetics (formerly Invitae), Labcorp
Classification: Benign. Last evaluated: 2026-01-27. Review status: criteria provided, single submitter. Criteria: Invitae Variant Classification Sherloc (09022015). Collection method: clinical testing. Allele origin: germline.

Centre of Medical Genetics, University Hospital Muenster
Classification: Benign for Cone-rod dystrophy 15. Last evaluated: 2022-02-08. Review status: criteria provided, single submitter. Criteria: ACMG Guidelines, 2015. Collection method: clinical testing. Allele origin: germline. Affected: yes. Observed: 1 variant allele, 1 heterozygote.
Comment: ACMG categories: BA1,BS1,BP2

NM_033100.4(CDHR1):c.2473C>A (p.Pro825Thr)

Gene: CDHR1 (cadherin related family member 1; plus strand). Cytogenetic location: 10q23.1.
Variant type: single nucleotide variant.
Coding change: c.2473C>A on transcript NM_033100.4 (MANE Select); coding-DNA position 2473, C replaced by A.
Protein change: p.Pro825Thr; replaces proline 825 with threonine.
Molecular consequence: missense variant. On other transcripts: intron variant (1).
Genome position (GRCh38, 1-based): chr10:84,214,514, C>A. VCF-style: chr10-84214514-C-A. GRCh37 (hg19) VCF-style: chr10-85974270-C-A.
Other names: c.2040+1166C>A (NM_001171971.3); short protein forms P825T.
Identifiers: ClinVar variation 301261 (VCV000301261.17), dbSNP rs201515900, ClinGen allele CA5580249.